The following is an entry in ClinVar:

NM_005732.4(RAD50):c.2043C>A (p.Cys681Ter)

Gene: RAD50 (RAD50 double strand break repair protein; plus strand). Cytogenetic location: 5q31.1.
Variant type: single nucleotide variant.
Coding change: c.2043C>A on transcript NM_005732.4 (MANE Select); coding-DNA position 2043, C replaced by A.
Protein change: p.Cys681Ter; replaces cysteine 681 with a stop codon.
Molecular consequence: nonsense.
Genome position (GRCh38, 1-based): chr5:132,595,646, C>A. VCF-style: chr5-132595646-C-A. GRCh37 (hg19) VCF-style: chr5-131931338-C-A.
Other names: short protein forms C681*.
Identifiers: ClinVar variation 1069241 (VCV001069241.7), dbSNP rs1580997003, ClinGen allele CA360949585.
Genomic context (GRCh38, chr5:132,595,646, plus strand): 5'-AGCCACAGCAGTTTACTCCCAGTTCATTACTCAGCTAACAGACGAAAACCAGTCATGTTG[C>A]CCCGTTTGTCAGAGAGTTTTTCAGACAGAGGCTGAGTTACAAGAAGTCATCAGTGATTTG-3'

ClinVar aggregate classification (germline): Pathogenic (1 of 4 stars; one submission).

Conditions:
Hereditary cancer-predisposing syndrome. Also called: Hereditary neoplastic syndrome; Tumor predisposition; Hereditary Cancer Syndrome; Neoplastic Syndromes, Hereditary. Identifiers: Orphanet 140162, MedGen C0027672, MeSH D009386, MONDO:0015356.

Submission:

Labcorp Genetics (formerly Invitae), Labcorp
Classification: Pathogenic for Hereditary cancer-predisposing syndrome. Last evaluated: 2021-10-06. Review status: criteria provided, single submitter. Criteria: Invitae Variant Classification Sherloc (09022015). Collection method: clinical testing. Allele origin: germline.
Comment: For these reasons, this variant has been classified as Pathogenic. Loss-of-function variants in RAD50 are known to be pathogenic (PMID: 16385572, 19409520). This variant has not been reported in the literature in individuals with RAD50-related conditions. This variant is not present in population databases (ExAC no frequency). This sequence change creates a premature translational stop signal (p.Cys681*) in the RAD50 gene. It is expected to result in an absent or disrupted protein product.

Literature cited by the submitters: PubMed 16385572; PubMed 19409520.